The following is an entry in ClinVar:

ClinVar aggregate classification (germline): Uncertain significance (1 of 4 stars; one submission).

Submission:

Labcorp Genetics (formerly Invitae), Labcorp
Classification: Uncertain significance. Last evaluated: 2024-11-06. Review status: criteria provided, single submitter. Criteria: Invitae Variant Classification Sherloc (09022015). Collection method: clinical testing. Allele origin: germline.
Comment: This sequence change creates a premature translational stop signal (p.Gln857*) in the NIN gene. It is expected to result in an absent or disrupted protein product. However, the current clinical and genetic evidence is not sufficient to establish whether loss-of-function variants in NIN cause disease. This variant is not present in population databases (gnomAD no frequency). This variant has not been reported in the literature in individuals affected with NIN-related conditions. In summary, the available evidence is currently insufficient to determine the role of this variant in disease. Therefore, it has been classified as a Variant of Uncertain Significance.

NM_020921.4(NIN):c.2569C>T (p.Gln857Ter)

Gene: NIN (ninein; minus strand). Cytogenetic location: 14q22.1.
Variant type: single nucleotide variant.
Coding change: c.2569C>T on transcript NM_020921.4 (MANE Select); coding-DNA position 2569, C replaced by T.
Protein change: p.Gln857Ter; replaces glutamine 857 with a stop codon.
Molecular consequence: nonsense. On other transcripts: intron variant (1).
Genome position (GRCh38, 1-based): chr14:50,758,461, G>A on the plus strand (C>T on the coding strand, the complement: NIN is on the minus strand). VCF-style: chr14-50758461-G-A. GRCh37 (hg19) VCF-style: chr14-51225179-G-A.
Other names: c.2569C>T, p.Gln857Ter (NM_182944.3, NM_182946.2); c.2399+1396C>T (NM_016350.5); short protein forms Q857*.
Identifiers: ClinVar variation 3724787 (VCV003724787.2).